The following is an entry in ClinVar:

ClinVar aggregate classification (germline): Conflicting classifications of pathogenicity. Review status: criteria provided, conflicting classifications (1 of 4 stars). 3 submissions from 3 submitters: Uncertain significance (1); Benign (1); Likely benign (1). Last evaluated 2026-09-01.

Allele frequency attached by ClinVar (database versions not stated): ExAC 0.00471; gnomAD 0.00497; gnomAD exomes 0.00500; ESP Exome Variant Server 0.00503; TOPMed 0.00532; 1000 Genomes Project 0.00619; 1000 Genomes Project 30x 0.00640.
gnomAD v4.1: 8,048 of 1,603,722 alleles (0.5%); highest among the groups gnomAD compares: Middle Eastern, 0.79%; 31 homozygotes.

Submissions (3):

CeGaT Center for Human Genetics Tuebingen
Classification: Likely benign. Last evaluated: 2026-09-01. Review status: criteria provided, single submitter. Criteria: CeGaT Center For Human Genetics Tuebingen Variant Classification Criteria Version 2. Collection method: clinical testing. Allele origin: germline. Affected: yes. Observed: 3 variant alleles.
Comment: NPAT: BP4, BS2

Labcorp Genetics (formerly Invitae), Labcorp
Classification: Benign. Last evaluated: 2026-01-27. Review status: criteria provided, single submitter. Criteria: Invitae Variant Classification Sherloc (09022015). Collection method: clinical testing. Allele origin: germline.

Ambry Genetics
Classification: Uncertain significance. Last evaluated: 2022-09-04. Review status: criteria provided, single submitter. Criteria: Ambry Variant Classification Scheme 2023. Collection method: clinical testing. Allele origin: germline.
Comment: The p.P1046L variant (also known as c.3137C>T), located in coding exon 17 of the NPAT gene, results from a C to T substitution at nucleotide position 3137. The proline at codon 1046 is replaced by leucine, an amino acid with similar properties. This amino acid position is conserved. In addition, this alteration is predicted to be tolerated by in silico analysis. Since supporting evidence is limited at this time, the clinical significance of this alteration remains unclear.

NM_002519.3(NPAT):c.3137C>T (p.Pro1046Leu)

Gene: NPAT (nuclear protein, coactivator of histone transcription; minus strand). Cytogenetic location: 11q22.3.
Variant type: single nucleotide variant.
Coding change: c.3137C>T on transcript NM_002519.3 (MANE Select); coding-DNA position 3137, C replaced by T.
Protein change: p.Pro1046Leu; replaces proline 1046 with leucine.
Molecular consequence: missense variant.
Genome position (GRCh38, 1-based): chr11:108,161,949, G>A on the plus strand (C>T on the coding strand, the complement: NPAT is on the minus strand). VCF-style: chr11-108161949-G-A. GRCh37 (hg19) VCF-style: chr11-108032676-G-A.
Other names: c.3158C>T, p.Pro1053Leu (NM_001321307.1); short protein forms P1046L, P1053L.
Identifiers: ClinVar variation 1728024 (VCV001728024.12), dbSNP rs117925274, ClinGen allele CA6263638.